The following is an entry in ClinVar:

ClinVar aggregate classification (germline): Uncertain significance. Review status: criteria provided, multiple submitters, no conflicts (2 of 4 stars). 4 submissions from 4 submitters: Uncertain significance (4). Last evaluated 2024-12-20.

Conditions:
Hereditary cancer-predisposing syndrome. Also called: Neoplastic Syndromes, Hereditary; Hereditary Cancer Syndrome; Tumor predisposition; Hereditary neoplastic syndrome. Identifiers: Orphanet 140162, MedGen C0027672, MeSH D009386, MONDO:0015356.
PALB2-related disorder. Also called: PALB2-related disorders; PALB2-related condition.
Familial cancer of breast. Also called: hereditary breast carcinoma; BREAST CANCER, FAMILIAL; Hereditary breast cancer. Identifiers: Orphanet 227535, MedGen C0346153, MONDO:0016419, OMIM 114480. Disease mechanism: loss of function.

Allele frequency attached by ClinVar (database versions not stated): gnomAD exomes below 0.00001; ExAC 0.00001.
gnomAD v4.1: 3 of 1,614,198 alleles (0.00019%); highest among the groups gnomAD compares: Non-Finnish European, 0.00017%; no homozygotes.

Submissions (4):

Ambry Genetics
Classification: Uncertain significance for Hereditary cancer-predisposing syndrome. Last evaluated: 2024-12-20. Review status: criteria provided, single submitter. Criteria: Ambry Variant Classification Scheme 2023. Collection method: clinical testing. Allele origin: germline.
Comment: The p.E820K variant (also known as c.2458G>A), located in coding exon 5 of the PALB2 gene, results from a G to A substitution at nucleotide position 2458. The glutamic acid at codon 820 is replaced by lysine, an amino acid with similar properties. This amino acid position is conserved. In addition, this alteration is predicted to be tolerated by in silico analysis. Since supporting evidence is limited at this time, the clinical significance of this alteration remains unclear.

Color Diagnostics, LLC DBA Color Health
Classification: Uncertain significance for Hereditary cancer-predisposing syndrome. Last evaluated: 2023-12-05. Review status: criteria provided, single submitter. Criteria: ACMG Guidelines, 2015. Collection method: clinical testing. Allele origin: germline.
Comment: This missense variant replaces glutamic acid with lysine at codon 820 of the PALB2 protein. Computational prediction tools and conservation analyses suggest that this variant may not impact the protein function. Computational splicing tools suggest that this variant may not impact RNA splicing. To our knowledge, functional assays have not been performed for this variant nor has this variant been reported in individuals affected with hereditary cancer in the literature. This variant has been identified in 1/251470 chromosomes in the general population by the Genome Aggregation Database (gnomAD). Available evidence is insufficient to determine the role of this variant in disease conclusively. Therefore, this variant is classified as a Variant of Uncertain Significance.

Labcorp Genetics (formerly Invitae), Labcorp
Classification: Uncertain significance for Familial cancer of breast. Last evaluated: 2023-07-26. Review status: criteria provided, single submitter. Criteria: Invitae Variant Classification Sherloc (09022015). Collection method: clinical testing. Allele origin: germline.
Comment: In summary, the available evidence is currently insufficient to determine the role of this variant in disease. Therefore, it has been classified as a Variant of Uncertain Significance. Advanced modeling of protein sequence and biophysical properties (such as structural, functional, and spatial information, amino acid conservation, physicochemical variation, residue mobility, and thermodynamic stability) performed at Invitae indicates that this missense variant is not expected to disrupt PALB2 protein function. This sequence change replaces glutamic acid, which is acidic and polar, with lysine, which is basic and polar, at codon 820 of the PALB2 protein (p.Glu820Lys). This variant is present in population databases (rs772048795, gnomAD 0.0009%). This variant has not been reported in the literature in individuals affected with PALB2-related conditions. ClinVar contains an entry for this variant (Variation ID: 574699).

PreventionGenetics, part of Exact Sciences
Classification: Uncertain significance for PALB2-related condition. Last evaluated: 2023-05-25. Review status: criteria provided, single submitter. Criteria: ACMG Guidelines, 2015. Collection method: clinical testing. Allele origin: germline.
Comment: The PALB2 c.2458G>A variant is predicted to result in the amino acid substitution p.Glu820Lys. To our knowledge, this variant has not been reported in the literature. This variant is reported in 0.00088% of alleles in individuals of European (Non-Finnish) descent in gnomAD. This variant is classified as uncertain in ClinVar. At this time, the clinical significance of this variant is uncertain due to the absence of conclusive functional and genetic evidence.

NM_024675.4(PALB2):c.2458G>A (p.Glu820Lys)

Gene: PALB2 (partner and localizer of BRCA2; minus strand). Cytogenetic location: 16p12.2.
Variant type: single nucleotide variant.
Coding change: c.2458G>A on transcript NM_024675.4 (MANE Select); coding-DNA position 2458, G replaced by A.
Protein change: p.Glu820Lys; replaces glutamic acid 820 with lysine.
Molecular consequence: missense variant.
Genome position (GRCh38, 1-based): chr16:23,629,696, C>T on the plus strand (G>A on the coding strand, the complement: PALB2 is on the minus strand). VCF-style: chr16-23629696-C-T. GRCh37 (hg19) VCF-style: chr16-23641017-C-T.
Other names: short protein forms E820K.
Identifiers: ClinVar variation 574699 (VCV000574699.18), dbSNP rs772048795, ClinGen allele CA7963570.